The following is an entry in ClinVar:

ClinVar aggregate classification (germline): Uncertain significance (1 of 4 stars; one submission).

Submission:

Labcorp Genetics (formerly Invitae), Labcorp
Classification: Uncertain significance. Last evaluated: 2024-10-16. Review status: criteria provided, single submitter. Criteria: Invitae Variant Classification Sherloc (09022015). Collection method: clinical testing. Allele origin: germline.
Comment: This sequence change replaces proline, which is neutral and non-polar, with threonine, which is neutral and polar, at codon 204 of the ITPR1 protein (p.Pro204Thr). This variant is not present in population databases (gnomAD no frequency). This variant has not been reported in the literature in individuals affected with ITPR1-related conditions. Invitae Evidence Modeling of protein sequence and biophysical properties (such as structural, functional, and spatial information, amino acid conservation, physicochemical variation, residue mobility, and thermodynamic stability) has been performed for this missense variant. However, the output from this modeling did not meet the statistical confidence thresholds required to predict the impact of this variant on ITPR1 protein function. In summary, the available evidence is currently insufficient to determine the role of this variant in disease. Therefore, it has been classified as a Variant of Uncertain Significance.

NM_001378452.1(ITPR1):c.610C>A (p.Pro204Thr)

Gene: ITPR1 (inositol 1,4,5-trisphosphate receptor type 1; plus strand). Cytogenetic location: 3p26.1.
Variant type: single nucleotide variant.
Coding change: c.610C>A on transcript NM_001378452.1 (MANE Select); coding-DNA position 610, C replaced by A.
Protein change: p.Pro204Thr; replaces proline 204 with threonine.
Molecular consequence: missense variant.
Genome position (GRCh38, 1-based): chr3:4,644,220, C>A. VCF-style: chr3-4644220-C-A. GRCh37 (hg19) VCF-style: chr3-4685904-C-A.
Other names: c.610C>A, p.Pro204Thr (NM_001099952.4, NM_001168272.2, NM_002222.7); short protein forms P204T.
Identifiers: ClinVar variation 2870282 (VCV002870282.3), dbSNP rs2093402840, ClinGen allele CA351635761.